The following is an entry in ClinVar:

NM_147196.3(TMIE):c.338A>G (p.Asn113Ser)

Gene: TMIE (transmembrane inner ear; plus strand). Cytogenetic location: 3p21.31.
Variant type: single nucleotide variant.
Coding change: c.338A>G on transcript NM_147196.3 (MANE Select); coding-DNA position 338, A replaced by G.
Protein change: p.Asn113Ser; replaces asparagine 113 with serine.
Molecular consequence: missense variant.
Genome position (GRCh38, 1-based): chr3:46,709,252, A>G. VCF-style: chr3-46709252-A-G. GRCh37 (hg19) VCF-style: chr3-46750742-A-G.
Other names: c.338A>G (NM_147196.2); c.179A>G, p.Asn60Ser (NM_001370524.1, NM_001370525.1); short protein forms N113S, N60S.
Identifiers: ClinVar variation 2177382 (VCV002177382.2), dbSNP rs565225720, ClinGen allele CA2357990.

ClinVar aggregate classification (germline): Uncertain significance. Review status: criteria provided, multiple submitters, no conflicts (2 of 4 stars). 2 submissions from 2 submitters: Uncertain significance (2). Last evaluated 2025-08-26.

Conditions:
Inborn genetic diseases. Identifiers: MedGen C0950123, MeSH D030342.

Allele frequency attached by ClinVar (database versions not stated): gnomAD exomes 0.00002; gnomAD 0.00004; ExAC 0.00006; TOPMed 0.00010; 1000 Genomes Project 30x 0.00031; 1000 Genomes Project 0.00040.
gnomAD v4.1: 45 of 1,614,042 alleles (0.0028%); highest among the groups gnomAD compares: Admixed American, 0.01%; 1 homozygote.

Submissions (2):

Ambry Genetics
Classification: Uncertain significance for Inborn genetic diseases. Last evaluated: 2025-08-26. Review status: criteria provided, single submitter. Criteria: Ambry Variant Classification Scheme 2023. Collection method: clinical testing. Allele origin: germline.

Labcorp Genetics (formerly Invitae), Labcorp
Classification: Uncertain significance. Last evaluated: 2022-04-10. Review status: criteria provided, single submitter. Criteria: Invitae Variant Classification Sherloc (09022015). Collection method: clinical testing. Allele origin: germline.
Comment: This sequence change replaces asparagine, which is neutral and polar, with serine, which is neutral and polar, at codon 113 of the TMIE protein (p.Asn113Ser). This variant is present in population databases (rs565225720, gnomAD 0.01%). This variant has not been reported in the literature in individuals affected with TMIE-related conditions. Algorithms developed to predict the effect of missense changes on protein structure and function (SIFT, PolyPhen-2, Align-GVGD) all suggest that this variant is likely to be tolerated. In summary, the available evidence is currently insufficient to determine the role of this variant in disease. Therefore, it has been classified as a Variant of Uncertain Significance.